The following is an entry in ClinVar:

ClinVar aggregate classification (germline): Pathogenic (1 of 4 stars; one submission).

Conditions:
Actin accumulation myopathy (CMYO2A). Also called: CONGENITAL MYOPATHY 2A, TYPICAL, AUTOSOMAL DOMINANT; Myopathy, actin, congenital, with cores; Nemaline myopathy 3, with intranuclear rods; Nemaline myopathy type 3; Myopathy, actin, congenital, with excess of thin myofilaments. Identifiers: Orphanet 98904, MedGen C3711389, MONDO:0008070, OMIM 161800.

Submission:

Labcorp Genetics (formerly Invitae), Labcorp
Classification: Pathogenic for Actin accumulation myopathy. Last evaluated: 2025-02-17. Review status: criteria provided, single submitter. Criteria: Invitae Variant Classification Sherloc (09022015). Collection method: clinical testing. Allele origin: germline.
Comment: This variant, c.983_985del, results in the deletion of 1 amino acid(s) of the ACTA1 protein (p.Lys328del), but otherwise preserves the integrity of the reading frame. This variant is not present in population databases (gnomAD no frequency). This variant has been observed in individual(s) with autosomal dominant nemaline myopathy (PMID: 19562689, 34596777; internal data). In at least one individual the variant was observed to be de novo. ClinVar contains an entry for this variant (Variation ID: 1003875). Experimental studies and prediction algorithms are not available or were not evaluated, and the functional significance of this variant is currently unknown. For these reasons, this variant has been classified as Pathogenic.

Literature cited by the submitters: PubMed 19562689; PubMed 34596777.

NM_001100.4(ACTA1):c.983_985del (p.Lys328del)

Gene: ACTA1 (actin alpha 1, skeletal muscle; minus strand). Cytogenetic location: 1q42.13.
Variant type: Deletion.
Coding change: c.983_985del on transcript NM_001100.4 (MANE Select); coding-DNA positions 983 to 985, 3 bases deleted (AGA; older notation c.983_985delAGA).
Protein change: p.Lys328del; deletes lysine 328.
Molecular consequence: inframe deletion.
Genome position (GRCh38, 1-based): chr1:229,431,726-229,431,728, TCT deleted on the plus strand (AGA on the coding strand, the reverse complement: ACTA1 is on the minus strand); deleting any 3 consecutive bases within chr1:229,431,726-229,431,730 gives the same sequence; the c. name uses the placement nearest the transcript's 3' end. VCF-style (leftmost placement, unchanged base first): chr1-229431725-ATCT-A. GRCh37 (hg19) VCF-style: chr1-229567472-ATCT-A.
Other names: short protein forms K328del.
Identifiers: ClinVar variation 1003875 (VCV001003875.9), dbSNP rs1659939983, ClinGen allele CA1226125466.